The following is an entry in ClinVar:

NM_001286.5(CLCN6):c.147+3G>A

Gene: CLCN6 (chloride voltage-gated channel 6; plus strand). Cytogenetic location: 1p36.22.
Variant type: single nucleotide variant.
Coding change: c.147+3G>A on transcript NM_001286.5 (MANE Select); 3 bases into the intron after coding-DNA position 147, G replaced by A.
Molecular consequence: intron variant.
Genome position (GRCh38, 1-based): chr1:11,807,193, G>A. VCF-style: chr1-11807193-G-A. GRCh37 (hg19) VCF-style: chr1-11867250-G-A.
Other names: c.147+3G>A (NM_001256959.2).
Identifiers: ClinVar variation 1473888 (VCV001473888.6), dbSNP rs755554098, ClinGen allele CA595897.

ClinVar aggregate classification (germline): Uncertain significance (1 of 4 stars; one submission).

Allele frequency attached by ClinVar (database versions not stated): gnomAD exomes 0.00001 and 0.00003; ExAC 0.00003; gnomAD 0.00007; TOPMed 0.00009.
gnomAD v4.1: 25 of 1,613,694 alleles (0.0015%); highest among the groups gnomAD compares: African/African-American, 0.029%; no homozygotes.

Submission:

Labcorp Genetics (formerly Invitae), Labcorp
Classification: Uncertain significance. Last evaluated: 2024-12-07. Review status: criteria provided, single submitter. Criteria: Invitae Variant Classification Sherloc (09022015). Collection method: clinical testing. Allele origin: germline.
Comment: This sequence change falls in intron 2 of the CLCN6 gene. It does not directly change the encoded amino acid sequence of the CLCN6 protein. It affects a nucleotide within the consensus splice site. This variant is present in population databases (rs755554098, gnomAD 0.05%). This variant has not been reported in the literature in individuals affected with CLCN6-related conditions. ClinVar contains an entry for this variant (Variation ID: 1473888). Variants that disrupt the consensus splice site are a relatively common cause of aberrant splicing (PMID: 17576681, 9536098). Algorithms developed to predict the effect of sequence changes on RNA splicing suggest that this variant is not likely to affect RNA splicing. In summary, the available evidence is currently insufficient to determine the role of this variant in disease. Therefore, it has been classified as a Variant of Uncertain Significance.

Literature cited by the submitters: PubMed 17576681; PubMed 9536098.